The following is an entry in ClinVar:

ClinVar aggregate classification (germline): Benign/Likely benign. Review status: criteria provided, multiple submitters, no conflicts (2 of 4 stars). 3 submissions from 3 submitters: Benign (1); Likely benign (1). 1 of the submissions does not count toward it. Last evaluated 2025-11-18.

Conditions:
NBEAL2-related disorder. Also called: NBEAL2-related condition.

Allele frequency attached by ClinVar (database versions not stated): ESP Exome Variant Server 0.00089; gnomAD 0.00130 and 0.00143; TOPMed 0.00147; 1000 Genomes Project 30x 0.00219; 1000 Genomes Project 0.00220.

Submissions (3):

Labcorp Genetics (formerly Invitae), Labcorp
Classification: Benign. Last evaluated: 2025-11-18. Review status: criteria provided, single submitter. Criteria: Invitae Variant Classification Sherloc (09022015). Collection method: clinical testing. Allele origin: germline.

Blueprint Genetics
Classification: Likely benign. Last evaluated: 2024-06-05. Review status: criteria provided, single submitter. Criteria: ACMG Guidelines, 2015. Collection method: clinical testing. Allele origin: germline.

PreventionGenetics, part of Exact Sciences
Classification: Likely benign for NBEAL2-related condition. Last evaluated: 2019-04-25. Review status: no assertion criteria provided. Collection method: clinical testing. Allele origin: germline. Not counted in ClinVar's aggregate classification.
Comment: This variant is classified as likely benign based on ACMG/AMP sequence variant interpretation guidelines (Richards et al. 2015 PMID: 25741868, with internal and published modifications).

NM_015175.3(NBEAL2):c.7755A>C (p.Gly2585=)

Gene: NBEAL2 (neurobeachin like 2; plus strand). Cytogenetic location: 3p21.31.
Variant type: single nucleotide variant.
Coding change: c.7755A>C on transcript NM_015175.3 (MANE Select); coding-DNA position 7755, A replaced by C.
Protein change: p.Gly2585=; no amino-acid change (glycine 2585 retained).
Molecular consequence: synonymous variant.
Genome position (GRCh38, 1-based): chr3:47,008,318, A>C. VCF-style: chr3-47008318-A-C. GRCh37 (hg19) VCF-style: chr3-47049808-A-C.
Other names: c.7653A>C, p.Gly2551= (NM_001365116.2).
Identifiers: ClinVar variation 783375 (VCV000783375.7), dbSNP rs186292946, ClinGen allele CA2362260.
Genomic context (GRCh38, chr3:47,008,318, plus strand): 5'-AGGACCCTAAGTTGCCTTCCTGCAGGATGGAACTGTGATCATACACACTGTACGCCGCGG[A>C]CAGTTTGTAGCGGCACTACGGCCTCTGGGTGCCACATTCCCTGGACCTATTTTCCACCTG-3'
Protein context (NP_055990.1, residues 2575-2595): GTVIIHTVRR[Gly2585=]QFVAALRPLG